The following is an entry in ClinVar:

NM_030928.4(CDT1):c.74_83del (p.Leu25fs)

Genes: CDT1 (chromatin licensing and DNA replication factor 1; plus strand), LOC130059759 (ATAC-STARR-seq lymphoblastoid silent region 7878; plus strand). Cytogenetic location: 16q24.3.
Variant type: Deletion.
Coding change: c.74_83del on transcript NM_030928.4 (MANE Select); coding-DNA positions 74 to 83, 10 bases deleted (TGGCCTGCCG; older notation c.74_83delTGGCCTGCCG).
Protein change: p.Leu25fs; shifts the reading frame from leucine 25.
Molecular consequence: frameshift variant.
Genome position (GRCh38, 1-based): chr16:88,803,905-88,803,914, TGGCCTGCCG deleted. VCF-style (leftmost placement, unchanged base first): chr16-88803904-CTGGCCTGCCG-C. GRCh37 (hg19) VCF-style: chr16-88870312-CTGGCCTGCCG-C.
Other names: short protein forms L25fs.
Identifiers: ClinVar variation 4704831 (VCV004704831.1).

ClinVar aggregate classification (germline): Pathogenic (1 of 4 stars; one submission).

Submission:

Labcorp Genetics (formerly Invitae), Labcorp
Classification: Pathogenic. Last evaluated: 2025-08-01. Review status: criteria provided, single submitter. Criteria: Invitae Variant Classification Sherloc (09022015). Collection method: clinical testing. Allele origin: germline.
Comment: This sequence change creates a premature translational stop signal (p.Leu25Profs*71) in the CDT1 gene. It is expected to result in an absent or disrupted protein product. Loss-of-function variants in CDT1 are known to be pathogenic (PMID: 21358632, 22333897). This variant is not present in population databases (gnomAD no frequency). This variant has not been reported in the literature in individuals affected with CDT1-related conditions. For these reasons, this variant has been classified as Pathogenic.

Literature cited by the submitters: PubMed 21358632; PubMed 22333897.